The following is an entry in ClinVar:

ClinVar aggregate classification (germline): Benign/Likely benign. Review status: criteria provided, multiple submitters, no conflicts (2 of 4 stars). 3 submissions from 3 submitters: Benign (1); Likely benign (1). 1 of the submissions does not count toward it. Last evaluated 2024-08-28.

Conditions:
CEP63-related disorder. Also called: CEP63-related condition.

Allele frequency attached by ClinVar (database versions not stated): ExAC 0.00074; gnomAD 0.00309; TOPMed 0.00388; gnomAD exomes 0.00038; 1000 Genomes Project 30x 0.00375; 1000 Genomes Project 0.00399.
gnomAD v4.1: 657 of 623,956 alleles (0.11%); highest among the groups gnomAD compares: African/African-American, 1%; 4 homozygotes.

Submissions (3):

Blueprint Genetics
Classification: Likely benign. Last evaluated: 2024-08-28. Review status: criteria provided, single submitter. Criteria: ACMG Guidelines, 2015. Collection method: clinical testing. Allele origin: germline.

CeGaT Center for Human Genetics Tuebingen
Classification: Benign. Last evaluated: 2024-02-01. Review status: criteria provided, single submitter. Criteria: CeGaT Center For Human Genetics Tuebingen Variant Classification Criteria Version 2. Collection method: clinical testing. Allele origin: germline. Affected: yes. Observed: 1 variant allele.
Comment: CEP63: BP4, BS1, BS2

PreventionGenetics, part of Exact Sciences
Classification: Benign for CEP63-related condition. Last evaluated: 2020-03-23. Review status: no assertion criteria provided. Collection method: clinical testing. Allele origin: germline. Not counted in ClinVar's aggregate classification.
Comment: This variant is classified as benign based on ACMG/AMP sequence variant interpretation guidelines (Richards et al. 2015 PMID: 25741868, with internal and published modifications).

NM_001042384.2(CEP63):c.1354A>T (p.Ser452Cys)

Gene: CEP63 (centrosomal protein 63; plus strand). Cytogenetic location: 3q22.2.
Variant type: single nucleotide variant.
Coding change: c.1354A>T on transcript NM_001042384.2; coding-DNA position 1354, A replaced by T.
Protein change: p.Ser452Cys; replaces serine 452 with cysteine.
Molecular consequence: missense variant.
Genome position (GRCh38, 1-based): chr3:134,574,817, A>T. VCF-style: chr3-134574817-A-T. GRCh37 (hg19) VCF-style: chr3-134293659-A-T.
Other names: c.1492A>T, p.Ser498Cys (NM_001353113.1, NM_001353117.2); c.1354A>T, p.Ser452Cys (NM_001353123.2, NM_001353124.2); short protein forms S452C, S498C.
Identifiers: ClinVar variation 3025249 (VCV003025249.22), dbSNP rs188876152, ClinGen allele CA2628885.